The following is an entry in ClinVar:

NM_024408.4(NOTCH2):c.2273A>G (p.Lys758Arg)

Gene: NOTCH2 (notch receptor 2; minus strand). Cytogenetic location: 1p12.
Variant type: single nucleotide variant.
Coding change: c.2273A>G on transcript NM_024408.4 (MANE Select); coding-DNA position 2273, A replaced by G.
Protein change: p.Lys758Arg; replaces lysine 758 with arginine.
Molecular consequence: missense variant.
Genome position (GRCh38, 1-based): chr1:119,953,635, T>C on the plus strand (A>G on the coding strand, the complement: NOTCH2 is on the minus strand). VCF-style: chr1-119953635-T-C. GRCh37 (hg19) VCF-style: chr1-120496258-T-C.
Other names: p.Lys758Arg; c.2273A>G (NM_024408.3); c.2273A>G, p.Lys758Arg (NM_001200001.2); short protein forms K758R.
Identifiers: ClinVar variation 1920521 (VCV001920521.9), dbSNP rs782205751, ClinGen allele CA1040344.
Genomic context (GRCh38, chr1:119,953,635, plus strand): 5'-CCATTCACCAGATTGTCACAAGTTCCTCCATTCTGGCATGGATTCGAAAGGCATTCATTT[T>C]TGTCCACTTCACAGTTGATGCCAACCCAGCCTGCATCACAGAGACACTTATATCTGAAAG-3'
Protein context (NP_077719.2, residues 748-768): GWVGINCEVD[Lys758Arg]NECLSNPCQN

ClinVar aggregate classification (germline): Uncertain significance. Review status: criteria provided, multiple submitters, no conflicts (2 of 4 stars). 4 submissions from 4 submitters: Uncertain significance (4). Last evaluated 2026-05-11.

Conditions:
Hajdu-Cheney syndrome (HJCYS). Also called: Acroosteolysis dominant type; SERPENTINE FIBULA-POLYCYSTIC KIDNEY SYNDROME; ACROOSTEOLYSIS WITH OSTEOPOROSIS AND CHANGES IN SKULL AND MANDIBLE. Identifiers: Orphanet 955, MedGen C0917715, MONDO:0007057, OMIM 102500.
NOTCH2-related disorder. Also called: NOTCH2-related condition.

Allele frequency attached by ClinVar (database versions not stated): gnomAD exomes below 0.00001; ExAC 0.00001; gnomAD 0.00001; TOPMed 0.00001.
gnomAD v4.1: 5 of 1,614,074 alleles (0.00031%); highest among the groups gnomAD compares: Admixed American, 0.005%; no homozygotes.

Submissions (4):

PreventionGenetics, part of Exact Sciences
Classification: Uncertain significance for NOTCH2-related condition. Last evaluated: 2026-05-11. Review status: criteria provided, single submitter. Criteria: ACMG Guidelines, 2015. Collection method: clinical testing. Allele origin: germline.
Comment: The NOTCH2 c.2273A>G variant is predicted to result in the amino acid substitution p.Lys758Arg. To our knowledge, this variant has not been reported in the literature. This variant is reported in 0.0085% of alleles in individuals of Latino descent in gnomAD. At this time, the clinical significance of this variant is uncertain due to the absence of conclusive functional and genetic evidence.

Dasa
Classification: Uncertain significance. Last evaluated: 2026-04-03. Review status: criteria provided, single submitter. Criteria: DASA Assertion Criteria. Collection method: clinical testing. Allele origin: germline.
Comment: NM_024408.4(NOTCH2):c.2273A>G (p.Lys758Arg) is a missense variant that results in the substitution of lysine with arginine. This variant is rare in population databases. Computational prediction algorithms are consistent with a benign effect. The currently available literature and clinical evidence are not sufficient to establish a definitive association between this variant and the reported condition. Therefore, this variant is classified as a variant of uncertain significance.

Mayo Clinic Laboratories, Mayo Clinic
Classification: Uncertain significance. Last evaluated: 2024-05-15. Review status: criteria provided, single submitter. Criteria: ACMG Guidelines, 2015. Collection method: clinical testing. Allele origin: germline. Observed: 1 variant allele.
Comment: BP4_strong, PP2

Labcorp Genetics (formerly Invitae), Labcorp
Classification: Uncertain significance for Hajdu-Cheney syndrome. Last evaluated: 2023-03-17. Review status: criteria provided, single submitter. Criteria: Invitae Variant Classification Sherloc (09022015). Collection method: clinical testing. Allele origin: germline.
Comment: In summary, the available evidence is currently insufficient to determine the role of this variant in disease. Therefore, it has been classified as a Variant of Uncertain Significance. Advanced modeling of protein sequence and biophysical properties (such as structural, functional, and spatial information, amino acid conservation, physicochemical variation, residue mobility, and thermodynamic stability) performed at Invitae indicates that this missense variant is not expected to disrupt NOTCH2 protein function. ClinVar contains an entry for this variant (Variation ID: 1920521). This variant has not been reported in the literature in individuals affected with NOTCH2-related conditions. This variant is present in population databases (rs782205751, gnomAD 0.009%). This sequence change replaces lysine, which is basic and polar, with arginine, which is basic and polar, at codon 758 of the NOTCH2 protein (p.Lys758Arg).